The following is an entry in ClinVar:

NM_006371.5(CRTAP):c.760A>G (p.Lys254Glu)

Gene: CRTAP (cartilage associated protein; plus strand). Cytogenetic location: 3p22.3.
Variant type: single nucleotide variant.
Coding change: c.760A>G on transcript NM_006371.5 (MANE Select); coding-DNA position 760, A replaced by G.
Protein change: p.Lys254Glu; replaces lysine 254 with glutamic acid.
Molecular consequence: missense variant.
Genome position (GRCh38, 1-based): chr3:33,124,546, A>G. VCF-style: chr3-33124546-A-G. GRCh37 (hg19) VCF-style: chr3-33166038-A-G.
Other names: c.760A>G, p.Lys254Glu (NM_001393363.1, NM_001393364.1); c.610A>G, p.Lys204Glu (NM_001393365.1); short protein forms K254E, K204E.
Identifiers: ClinVar variation 640796 (VCV000640796.3), dbSNP rs756183963, ClinGen allele CA2300380.
Genomic context (GRCh38, chr3:33,124,546, plus strand): 5'-CCCGACTTCTTCAAAGCCTTTTACGAGTGTCTCGCAGCCTGCGAGGGTTCCAGGGAGATC[A>G]AGGACTTCAAGGATTTCTACCTTTCCATAGCAGGTTGGTGGTAGGTCAATAGGCTCACTA-3'
Protein context (NP_006362.1, residues 244-264): LAACEGSREI[Lys254Glu]DFKDFYLSIA

ClinVar aggregate classification (germline): Uncertain significance (1 of 4 stars; one submission).

Conditions:
Osteogenesis imperfecta type 7 (OI7). Also called: OSTEOGENESIS IMPERFECTA, TYPE IIB; Osteogenesis imperfecta type 2B; OI type 2B; Osteogenesis imperfecta, perinatal lethal autosomal recessive; OI type IIB; OI type 7. Identifiers: MedGen C1853162, MONDO:0012536, OMIM 610682.

Allele frequency attached by ClinVar (database versions not stated): gnomAD exomes 0.00001; ExAC 0.00002; gnomAD 0.00004; TOPMed 0.00005.

Submission:

Labcorp Genetics (formerly Invitae), Labcorp
Classification: Uncertain significance for Osteogenesis imperfecta type 7. Last evaluated: 2021-08-24. Review status: criteria provided, single submitter. Criteria: Invitae Variant Classification Sherloc (09022015). Collection method: clinical testing. Allele origin: germline.
Comment: This sequence change replaces lysine with glutamic acid at codon 254 of the CRTAP protein (p.Lys254Glu). The lysine residue is moderately conserved and there is a small physicochemical difference between lysine and glutamic acid. This variant is present in population databases (rs756183963, ExAC 0.01%). This variant has not been reported in the literature in individuals affected with CRTAP-related conditions. Algorithms developed to predict the effect of missense changes on protein structure and function (SIFT, PolyPhen-2, Align-GVGD) all suggest that this variant is likely to be tolerated. In summary, the available evidence is currently insufficient to determine the role of this variant in disease. Therefore, it has been classified as a Variant of Uncertain Significance.